The following is an entry in ClinVar:

NM_001364716.4(MPRIP):c.6877T>C (p.Leu2293=)

Gene: MPRIP (myosin phosphatase Rho interacting protein; plus strand). Cytogenetic location: 17p11.2.
Variant type: single nucleotide variant.
Coding change: c.6877T>C on transcript NM_001364716.4 (MANE Select); coding-DNA position 6877, T replaced by C.
Protein change: p.Leu2293=; no amino-acid change (leucine 2293 retained).
Molecular consequence: synonymous variant.
Genome position (GRCh38, 1-based): chr17:17,176,432, T>C. VCF-style: chr17-17176432-T-C. GRCh37 (hg19) VCF-style: chr17-17079746-T-C.
Other names: c.2716T>C, p.Leu906= (NM_015134.4, NM_201274.4).
Identifiers: ClinVar variation 2647518 (VCV002647518.24), dbSNP rs142563803, ClinGen allele CA8415497.
Genomic context (GRCh38, chr17:17,176,432, plus strand): 5'-TCTGGAGGTTTCTTTGCTCCTGAATATTGGTCCCTGATCTCTCTGTCATTTTAGGTCTTA[T>C]TGCGGGTAAAGGAATCGGAAATACAGTACCTGAAACAGGAGATTAGCTCCCTCAAGGATG-3'
Protein context (NP_001351645.2, residues 2283-2303): GKDAYELEVL[Leu2293=]RVKESEIQYL

ClinVar aggregate classification (germline): Likely benign (1 of 4 stars; one submission).

Allele frequency attached by ClinVar (database versions not stated): ESP Exome Variant Server 0.00015; TOPMed 0.00020; 1000 Genomes Project 30x 0.00062; 1000 Genomes Project 0.00080; gnomAD exomes 0.00093; ExAC 0.00171; gnomAD 0.00230.

Submission:

CeGaT Center for Human Genetics Tuebingen
Classification: Likely benign. Last evaluated: 2023-01-01. Review status: criteria provided, single submitter. Criteria: CeGaT Center For Human Genetics Tuebingen Variant Classification Criteria Version 2. Collection method: clinical testing. Allele origin: germline. Affected: yes. Observed: 1 variant allele.
Comment: MPRIP: BP4, BP7